The following is an entry in ClinVar:

NM_058222.3(TECTB):c.462A>G (p.Gln154=)

Gene: TECTB (tectorin beta; plus strand). Cytogenetic location: 10q25.2.
Variant type: single nucleotide variant.
Coding change: c.462A>G on transcript NM_058222.3 (MANE Select); coding-DNA position 462, A replaced by G.
Protein change: p.Gln154=; no amino-acid change (glutamine 154 retained).
Molecular consequence: synonymous variant.
Genome position (GRCh38, 1-based): chr10:112,286,370, A>G. VCF-style: chr10-112286370-A-G. GRCh37 (hg19) VCF-style: chr10-114046128-A-G.
Identifiers: ClinVar variation 3035636 (VCV003035636.2), dbSNP rs2493046332, ClinGen allele CA471508356.

ClinVar aggregate classification (germline): Likely benign (0 of 4 stars; one submission).

Conditions:
TECTB-related disorder. Also called: TECTB-related condition.

Submission:

PreventionGenetics, part of Exact Sciences
Classification: Likely benign for TECTB-related condition. Last evaluated: 2019-08-09. Review status: no assertion criteria provided. Collection method: clinical testing. Allele origin: germline.
Comment: This variant is classified as likely benign based on ACMG/AMP sequence variant interpretation guidelines (Richards et al. 2015 PMID: 25741868, with internal and published modifications).